The following is an entry in ClinVar:

NM_145290.4(ADGRA3):c.61C>G (p.Leu21Val)

Gene: ADGRA3 (adhesion G protein-coupled receptor A3; minus strand). Cytogenetic location: 4p15.2.
Variant type: single nucleotide variant.
Coding change: c.61C>G on transcript NM_145290.4 (MANE Select); coding-DNA position 61, C replaced by G.
Protein change: p.Leu21Val; replaces leucine 21 with valine.
Molecular consequence: missense variant.
Genome position (GRCh38, 1-based): chr4:22,515,724, G>C on the plus strand (C>G on the coding strand, the complement: ADGRA3 is on the minus strand). VCF-style: chr4-22515724-G-C. GRCh37 (hg19) VCF-style: chr4-22517347-G-C.
Other names: c.61C>G (NM_145290.3); short protein forms L21V.
Identifiers: ClinVar variation 1168893 (VCV001168893.10), dbSNP rs781095724, ClinGen allele CA2874404.

ClinVar aggregate classification (germline): Benign. Review status: criteria provided, multiple submitters, no conflicts (2 of 4 stars). 3 submissions from 3 submitters: Benign (2). 1 of the submissions does not count toward it. Last evaluated 2026-02-01.

Conditions:
ADGRA3-related disorder. Also called: ADGRA3-related condition.

Allele frequency attached by ClinVar (database versions not stated): gnomAD exomes 0.00020 and 0.00036; gnomAD 0.00316 and 0.00345; 1000 Genomes Project 30x 0.00484; ExAC 0.01190.
gnomAD v4.1: 655 of 1,055,964 alleles (0.062%); highest among the groups gnomAD compares: African/African-American, 1%; 1 homozygote.

Submissions (3):

Labcorp Genetics (formerly Invitae), Labcorp
Classification: Benign. Last evaluated: 2026-02-01. Review status: criteria provided, single submitter. Criteria: Invitae Variant Classification Sherloc (09022015). Collection method: clinical testing. Allele origin: germline.

Breakthrough Genomics
Classification: Benign. Review status: criteria provided, single submitter. Criteria: ACMG Guidelines, 2015. Collection method: not provided. Allele origin: germline. Inheritance: Unknown mechanism. Affected: yes.

PreventionGenetics, part of Exact Sciences
Classification: Likely benign for ADGRA3-related condition. Last evaluated: 2023-11-21. Review status: no assertion criteria provided. Collection method: clinical testing. Allele origin: germline. Not counted in ClinVar's aggregate classification.
Comment: This variant is classified as likely benign based on ACMG/AMP sequence variant interpretation guidelines (Richards et al. 2015 PMID: 25741868, with internal and published modifications).